The following is an entry in ClinVar:

ClinVar aggregate classification (germline): Uncertain significance (1 of 4 stars; one submission).

Submission:

Labcorp Genetics (formerly Invitae), Labcorp
Classification: Uncertain significance. Last evaluated: 2022-04-01. Review status: criteria provided, single submitter. Criteria: Invitae Variant Classification Sherloc (09022015). Collection method: clinical testing. Allele origin: germline.
Comment: This variant has not been reported in the literature in individuals affected with SLC26A3-related conditions. This variant is not present in population databases (gnomAD no frequency). This sequence change replaces aspartic acid, which is acidic and polar, with alanine, which is neutral and non-polar, at codon 558 of the SLC26A3 protein (p.Asp558Ala). Advanced modeling of protein sequence and biophysical properties (such as structural, functional, and spatial information, amino acid conservation, physicochemical variation, residue mobility, and thermodynamic stability) performed at Invitae indicates that this missense variant is not expected to disrupt SLC26A3 protein function. In summary, the available evidence is currently insufficient to determine the role of this variant in disease. Therefore, it has been classified as a Variant of Uncertain Significance.

NM_000111.3(SLC26A3):c.1673A>C (p.Asp558Ala)

Gene: SLC26A3 (solute carrier family 26 member 3; minus strand). Cytogenetic location: 7q22.3.
Variant type: single nucleotide variant.
Coding change: c.1673A>C on transcript NM_000111.3 (MANE Select); coding-DNA position 1673, A replaced by C.
Protein change: p.Asp558Ala; replaces aspartic acid 558 with alanine.
Molecular consequence: missense variant.
Genome position (GRCh38, 1-based): chr7:107,776,456, T>G on the plus strand (A>C on the coding strand, the complement: SLC26A3 is on the minus strand). VCF-style: chr7-107776456-T-G. GRCh37 (hg19) VCF-style: chr7-107416901-T-G.
Other names: short protein forms D558A.
Identifiers: ClinVar variation 2120202 (VCV002120202.4), dbSNP rs2535456382, ClinGen allele CA368850700.